The following is an entry in ClinVar:

NM_001110556.2(FLNA):c.4866C>T (p.Tyr1622=)

Gene: FLNA (filamin A; minus strand). Cytogenetic location: Xq28.
Variant type: single nucleotide variant.
Coding change: c.4866C>T on transcript NM_001110556.2 (MANE Select); coding-DNA position 4866, C replaced by T.
Protein change: p.Tyr1622=; no amino-acid change (tyrosine 1622 retained).
Molecular consequence: synonymous variant.
Genome position (GRCh38, 1-based): chrX:154,357,513, G>A on the plus strand (C>T on the coding strand, the complement: FLNA is on the minus strand). VCF-style: chrX-154357513-G-A. GRCh37 (hg19) VCF-style: chrX-153585881-G-A.
Other names: p.Y1622Y:TAC>TAT; p.Tyr1622=; c.4866C>T, p.Tyr1622= (NM_001456.4).
Identifiers: ClinVar variation 190196 (VCV000190196.38), dbSNP rs200835571, ClinGen allele CA300598.
Genomic context (GRCh38, chrX:154,357,513, plus strand): 5'-GGCGTCCCCGGTGGGCACGGCACGCACGCGGTACGGGGAGAAGGGGATCTCGTCACCACC[G>A]TACTTGATGAGGATGGTGTAGCGACCTGTCACGTCTGGCACGTAGGCCACTGTATACGTG-3'
Protein context (NP_001104026.1, residues 1612-1632): VTGRYTILIK[Tyr1622=]GGDEIPFSPY

ClinVar aggregate classification (germline): Benign/Likely benign. Review status: criteria provided, multiple submitters, no conflicts (2 of 4 stars). 13 submissions from 13 submitters: Benign (6); Likely benign (5). 2 of the submissions do not count toward it. Last evaluated 2026-01-27.

Conditions:
Frontometaphyseal dysplasia (FMD1). Identifiers: Orphanet 1826, MedGen C0265293, MONDO:0015942.
Heterotopia, periventricular, X-linked dominant (PVNH1). Also called: PERIVENTRICULAR NODULAR HETEROTOPIA 4; HETEROTOPIA, PERIVENTRICULAR, 1; X-linked periventricular heterotopia; PERIVENTRICULAR NODULAR HETEROTOPIA 1. Identifiers: Orphanet 2149, Orphanet 82004, MedGen C1848213, MONDO:0010233, OMIM 300049.
Melnick-Needles syndrome (MNS). Also called: MELNICK-NEEDLES OSTEODYSPLASTY; Melnick-Needles Syndrome (FLNA-MNS); OSTEODYSPLASTY OF MELNICK AND NEEDLES. Identifiers: Orphanet 2484, MedGen C0025237, MONDO:0010650, OMIM 309350.
Oto-palato-digital syndrome, type II (OPD2). Also called: FACIOPALATOOSSEOUS SYNDROME; Otopalatodigital Syndrome, Type II; Otopalatodigital Syndrome Type 2 (FLNA-OPD2); OPD II SYNDROME. Identifiers: Orphanet 669, Orphanet 90652, MedGen C1844696, MONDO:0010571, OMIM 304120.
Familial thoracic aortic aneurysm and aortic dissection (TAAD). Also called: Thoracic aortic aneurysms and dissections. Identifiers: Orphanet 91387, MedGen C4707243, MONDO:0019625.
FG syndrome 2 (FGS2). Identifiers: MedGen C1845902, MONDO:0010297, OMIM 300321.

Allele frequency attached by ClinVar (database versions not stated): 1000 Genomes Project 30x 0.00042; 1000 Genomes Project 0.00053; ESP Exome Variant Server 0.00057; TOPMed 0.00063; gnomAD 0.00065 and 0.00072; gnomAD exomes 0.00076 and 0.00088; ExAC 0.00079.

Submissions (13):

Labcorp Genetics (formerly Invitae), Labcorp
Classification: Benign for Oto-palato-digital syndrome, type II; Heterotopia, periventricular, X-linked dominant; Frontometaphyseal dysplasia; Melnick-Needles syndrome. Last evaluated: 2026-01-27. Review status: criteria provided, single submitter. Criteria: Invitae Variant Classification Sherloc (09022015). Collection method: clinical testing. Allele origin: germline.

Mayo Clinic Laboratories, Mayo Clinic
Classification: Benign. Last evaluated: 2025-10-14. Review status: criteria provided, single submitter. Criteria: ACMG Guidelines, 2015. Collection method: clinical testing. Allele origin: germline. Observed: 12 variant alleles.
Comment: BS1, BS2, BP4, BP7

Molecular Diagnostic Laboratory for Inherited Cardiovascular Disease, Montreal Heart Institute
Classification: Likely benign. Last evaluated: 2025-07-24. Review status: criteria provided, single submitter. Criteria: ACMG Guidelines, 2015. Collection method: clinical testing. Allele origin: germline. Affected: no.
Comment: BS1;BP7

ARUP Laboratories, Molecular Genetics and Genomics, ARUP Laboratories
Classification: Benign. Last evaluated: 2025-03-28. Review status: criteria provided, single submitter. Criteria: ARUP Molecular Germline Variant Investigation Process 2024. Collection method: clinical testing. Allele origin: germline.

Blueprint Genetics
Classification: Likely benign. Last evaluated: 2024-11-20. Review status: criteria provided, single submitter. Criteria: ACMG Guidelines, 2015. Collection method: clinical testing. Allele origin: germline.

Women's Health and Genetics/Laboratory Corporation of America, LabCorp
Classification: Benign. Last evaluated: 2024-05-26. Review status: criteria provided, single submitter. Criteria: LabCorp Variant Classification Summary - May 2015. Collection method: clinical testing. Allele origin: germline.

Victorian Clinical Genetics Services, Murdoch Childrens Research Institute
Classification: Likely benign for FG syndrome 2. Last evaluated: 2023-07-17. Review status: criteria provided, single submitter. Criteria: ACMG Guidelines, 2015. Collection method: clinical testing. Allele origin: germline. Inheritance: X-linked inheritance.
Comment: Based on the classification scheme VCGS_Germline_v1.3.4, this variant is classified as likely benign. Following criteria are met: 0308 - Population frequency for this variant is out of keeping with known incidence of FG syndrome 2 (MIM#300321), with 1 homozygote, 84 heterozygous alleles and 64 hemizygous alleles in gnomAD v2. (SB) Legend: (SP) - Supporting pathogenic, (I) - Information, (SB) - Supporting benign

Genetic Services Laboratory, University of Chicago
Classification: Benign. Last evaluated: 2018-04-16. Review status: criteria provided, single submitter. Criteria: ACMG Guidelines, 2015. Collection method: clinical testing. Allele origin: germline. Affected: no.

Ambry Genetics
Classification: Likely benign for Familial thoracic aortic aneurysm and aortic dissection. Last evaluated: 2015-08-03. Review status: criteria provided, single submitter. Criteria: Ambry Variant Classification Scheme 2023. Collection method: clinical testing. Allele origin: germline.

GeneDx
Classification: Benign. Last evaluated: 2014-08-27. Review status: criteria provided, single submitter. Criteria: GeneDx Variant Classification (06012015). Collection method: clinical testing. Allele origin: germline. Affected: yes.
Comment: This variant is considered likely benign or benign based on one or more of the following criteria: it is a conservative change, it occurs at a poorly conserved position in the protein, it is predicted to be benign by multiple in silico algorithms, and/or has population frequency not consistent with disease.

Claritas Genomics
Classification: Likely benign. Last evaluated: 2012-09-27. Review status: criteria provided, single submitter. Criteria: ACMG Guidelines, 2007. Collection method: clinical testing. Allele origin: germline. Inheritance: X-linked inheritance.

Clinical Genetics DNA and cytogenetics Diagnostics Lab, Erasmus MC, Erasmus Medical Center
Classification: Likely benign. Review status: no assertion criteria provided. Collection method: clinical testing. Allele origin: germline. Affected: yes. Study: VKGL Data-share Consensus. Not counted in ClinVar's aggregate classification.

Genome Diagnostics Laboratory, University Medical Center Utrecht
Classification: Likely benign. Review status: no assertion criteria provided. Collection method: clinical testing. Allele origin: germline. Affected: yes. Study: VKGL Data-share Consensus. Not counted in ClinVar's aggregate classification.